The following is an entry in ClinVar:

ClinVar aggregate classification (germline): Uncertain significance. Review status: criteria provided, multiple submitters, no conflicts (2 of 4 stars). 2 submissions from 2 submitters: Uncertain significance (2). Last evaluated 2025-02-07.

Conditions:
Hereditary pancreatitis (PCTT). Also called: PRSS1-Related Hereditary Pancreatitis; Hereditary chronic pancreatitis. Identifiers: Orphanet 676, MedGen C0238339, MONDO:0008185, OMIM 167800.

Allele frequency attached by ClinVar (database versions not stated): gnomAD exomes below 0.00001; TOPMed 0.00001; gnomAD 0.00003.

Submissions (2):

Labcorp Genetics (formerly Invitae), Labcorp
Classification: Uncertain significance. Last evaluated: 2025-02-07. Review status: criteria provided, single submitter. Criteria: Invitae Variant Classification Sherloc (09022015). Collection method: clinical testing. Allele origin: germline.
Comment: This sequence change replaces alanine, which is neutral and non-polar, with valine, which is neutral and non-polar, at codon 259 of the CPA1 protein (p.Ala259Val). This variant is present in population databases (no rsID available, gnomAD 0.004%). This variant has not been reported in the literature in individuals affected with CPA1-related conditions. ClinVar contains an entry for this variant (Variation ID: 1010268). Invitae Evidence Modeling of protein sequence and biophysical properties (such as structural, functional, and spatial information, amino acid conservation, physicochemical variation, residue mobility, and thermodynamic stability) indicates that this missense variant is not expected to disrupt CPA1 protein function with a negative predictive value of 80%. In summary, the available evidence is currently insufficient to determine the role of this variant in disease. Therefore, it has been classified as a Variant of Uncertain Significance.

Ambry Genetics
Classification: Uncertain significance for Hereditary pancreatitis. Last evaluated: 2025-01-22. Review status: criteria provided, single submitter. Criteria: Ambry Variant Classification Scheme 2023. Collection method: clinical testing. Allele origin: germline.
Comment: The p.A259V variant (also known as c.776C>T), located in coding exon 7 of the CPA1 gene, results from a C to T substitution at nucleotide position 776. The alanine at codon 259 is replaced by valine, an amino acid with similar properties. This alteration was identified in an individual with a family history of pancreatic cancer (Abe T et al. J Clin Oncol, 2019 May;37:1070-1080). This amino acid position is well conserved in available vertebrate species. In addition, this alteration is predicted to be tolerated by in silico analysis. Since supporting evidence is limited at this time, the clinical significance of this alteration remains unclear.

Literature cited by the submitters: PubMed 30883245 (cited by Ambry Genetics).

NM_001868.4(CPA1):c.776C>T (p.Ala259Val)

Gene: CPA1 (carboxypeptidase A1; plus strand). Cytogenetic location: 7q32.2.
Variant type: single nucleotide variant.
Coding change: c.776C>T on transcript NM_001868.4 (MANE Select); coding-DNA position 776, C replaced by T.
Protein change: p.Ala259Val; replaces alanine 259 with valine.
Molecular consequence: missense variant.
Genome position (GRCh38, 1-based): chr7:130,384,615, C>T. VCF-style: chr7-130384615-C-T. GRCh37 (hg19) VCF-style: chr7-130024456-C-T.
Other names: c.776C>T (NM_001868.2); short protein forms A259V.
Identifiers: ClinVar variation 1010268 (VCV001010268.9), dbSNP rs1009079470, ClinGen allele CA166890749.